The following is an entry in ClinVar:

NM_002907.4(RECQL):c.1381C>T (p.His461Tyr)

Gene: RECQL (RecQ like helicase; minus strand). Cytogenetic location: 12p12.1.
Variant type: single nucleotide variant.
Coding change: c.1381C>T on transcript NM_002907.4 (MANE Select); coding-DNA position 1381, C replaced by T.
Protein change: p.His461Tyr; replaces histidine 461 with tyrosine.
Molecular consequence: missense variant.
Genome position (GRCh38, 1-based): chr12:21,473,617, G>A on the plus strand (C>T on the coding strand, the complement: RECQL is on the minus strand). VCF-style: chr12-21473617-G-A. GRCh37 (hg19) VCF-style: chr12-21626551-G-A.
Other names: c.1381C>T, p.His461Tyr (NM_032941.3); short protein forms H461Y.
Identifiers: ClinVar variation 2565582 (VCV002565582.2), dbSNP rs2540334617, ClinGen allele CA384117633.
Genomic context (GRCh38, chr12:21,473,617, plus strand): 5'-CTTTACAGCAGTTATCGCACATTTTGTTACATGCTTCTGAGTTCCATACTTCATCAAAAT[G>A]TTGAGCCATCAACACACGACGACATCTGCAAACACATTTAAAGATACAAATTATTAAAGG-3'
Protein context (NP_002898.2, residues 451-471): SKCRRVLMAQ[His461Tyr]FDEVWNSEAC

ClinVar aggregate classification (germline): Uncertain significance (1 of 4 stars; one submission).

gnomAD v4.1: 1 of 1,612,704 alleles (0.000062%); no homozygotes.

Submission:

Ambry Genetics
Classification: Uncertain significance. Last evaluated: 2023-05-14. Review status: criteria provided, single submitter. Criteria: Ambry Variant Classification Scheme 2023. Collection method: clinical testing. Allele origin: germline.
Comment: The p.H461Y variant (also known as c.1381C>T), located in coding exon 11 of the RECQL gene, results from a C to T substitution at nucleotide position 1381. The histidine at codon 461 is replaced by tyrosine, an amino acid with similar properties. This amino acid position is conserved. In addition, the in silico prediction for this alteration is inconclusive. Since supporting evidence is limited at this time, the clinical significance of this alteration remains unclear.